The following is an entry in ClinVar:

ClinVar aggregate classification (germline): Uncertain significance. Review status: criteria provided, multiple submitters, no conflicts (2 of 4 stars). 2 submissions from 2 submitters: Uncertain significance (2). Last evaluated 2024-07-09.

Conditions:
Charcot-Marie-Tooth disease type 2. Also called: Charcot-Marie-Tooth type 2. Identifiers: Orphanet 64746, MedGen C0270914, MONDO:0018993.

Allele frequency attached by ClinVar (database versions not stated): gnomAD exomes below 0.00001; ExAC 0.00001.
gnomAD v4.1: 2 of 1,613,816 alleles (0.00012%); highest among the groups gnomAD compares: Non-Finnish European, 0.00017%; no homozygotes.

Submissions (2):

Ambry Genetics
Classification: Uncertain significance. Last evaluated: 2024-07-09. Review status: criteria provided, single submitter. Criteria: Ambry Variant Classification Scheme 2023. Collection method: clinical testing. Allele origin: germline.
Comment: The p.G527R variant (also known as c.1579G>A), located in coding exon 16 of the KIF1B gene, results from a G to A substitution at nucleotide position 1579. The glycine at codon 527 is replaced by arginine, an amino acid with dissimilar properties. This amino acid position is highly conserved in available vertebrate species. In addition, this alteration is predicted to be deleterious by in silico analysis. The evidence for this gene-disease relationship is limited; therefore, the clinical significance of this alteration is unclear.

Labcorp Genetics (formerly Invitae), Labcorp
Classification: Uncertain significance for Charcot-Marie-Tooth disease type 2. Last evaluated: 2022-05-05. Review status: criteria provided, single submitter. Criteria: Invitae Variant Classification Sherloc (09022015). Collection method: clinical testing. Allele origin: germline.
Comment: In summary, the available evidence is currently insufficient to determine the role of this variant in disease. Therefore, it has been classified as a Variant of Uncertain Significance. Algorithms developed to predict the effect of missense changes on protein structure and function are either unavailable or do not agree on the potential impact of this missense change (SIFT: "Deleterious"; PolyPhen-2: "Probably Damaging"; Align-GVGD: "Class C15"). This variant has not been reported in the literature in individuals affected with KIF1B-related conditions. The frequency data for this variant in the population databases is considered unreliable, as metrics indicate poor data quality at this position in the gnomAD database. This sequence change replaces glycine, which is neutral and non-polar, with arginine, which is basic and polar, at codon 527 of the KIF1B protein (p.Gly527Arg).

NM_001365951.3(KIF1B):c.1717G>A (p.Gly573Arg)

Gene: KIF1B (kinesin family member 1B; plus strand). Cytogenetic location: 1p36.22.
Variant type: single nucleotide variant.
Coding change: c.1717G>A on transcript NM_001365951.3 (MANE Select); coding-DNA position 1717, G replaced by A.
Protein change: p.Gly573Arg; replaces glycine 573 with arginine.
Molecular consequence: missense variant.
Genome position (GRCh38, 1-based): chr1:10,295,706, G>A. VCF-style: chr1-10295706-G-A. GRCh37 (hg19) VCF-style: chr1-10355764-G-A.
Other names: c.1717G>A, p.Gly573Arg (NM_001365952.1); c.1579G>A, p.Gly527Arg (NM_001365953.1, NM_015074.3, NM_183416.4); short protein forms G573R, G527R.
Identifiers: ClinVar variation 2157410 (VCV002157410.5), dbSNP rs745444863, ClinGen allele CA581059.
Genomic context (GRCh38, chr1:10,295,706, plus strand): 5'-TCTCTTGTGTTCAGGGTTGGCCAAGCAGATGCTGAGCGGCGCCAGGACATAGTGCTGAGC[G>A]GGGCTCACATTAAAGAAGAGCATTGTATCTTCCGGAGTGAGAGAAGCAACAGCGGGGAAG-3'
Protein context (NP_001352880.1, residues 563-583): AERRQDIVLS[Gly573Arg]AHIKEEHCIF